The following is an entry in ClinVar:

ClinVar aggregate classification (germline): Conflicting classifications of pathogenicity. Review status: criteria provided, conflicting classifications (1 of 4 stars). 3 submissions from 3 submitters: Uncertain significance (2); Likely benign (1). Last evaluated 2026-01-27.

Conditions:
Neurofibromatosis, type 1 (NF1). Also called: Peripheral type neurofibromatosis; Neurofibromatosis, type I; VON RECKLINGHAUSEN DISEASE; NEUROFIBROMATOSIS, TYPE I, SOMATIC. Identifiers: Orphanet 636, MedGen C0027831, MONDO:0018975, OMIM 162200. Disease mechanism: loss of function.
Cardiovascular phenotype. Identifiers: MedGen CN230736.
Hereditary cancer-predisposing syndrome. Also called: Hereditary neoplastic syndrome; Tumor predisposition; Hereditary Cancer Syndrome; Neoplastic Syndromes, Hereditary. Identifiers: Orphanet 140162, MedGen C0027672, MeSH D009386, MONDO:0015356.

Allele frequency attached by ClinVar (database versions not stated): gnomAD exomes below 0.00001.
gnomAD v4.1: 2 of 1,613,282 alleles (0.00012%); highest among the groups gnomAD compares: Non-Finnish European, 0.00017%; no homozygotes.

Submissions (3):

Labcorp Genetics (formerly Invitae), Labcorp
Classification: Likely benign for Neurofibromatosis, type 1. Last evaluated: 2026-01-27. Review status: criteria provided, single submitter. Criteria: Invitae Variant Classification Sherloc (09022015). Collection method: clinical testing. Allele origin: germline.

Clinical Genomics Laboratory, Washington University in St. Louis
Classification: Uncertain significance for Neurofibromatosis, type 1. Last evaluated: 2024-04-18. Review status: criteria provided, single submitter. Criteria: ACMG Guidelines, 2015. Collection method: clinical testing. Allele origin: germline.
Comment: The NF1 c.6196A>G (p.Thr2066Ala) variant was identified at a near heterozygous allelic fraction of 49%, a frequency which may be consistent with it being of germline origin. This variant has been reported in one individual with myelodysplastic syndrome (Della Porta MG et al., PMID: 36436542). This variant has been reported in the ClinVar database as a germline variant of uncertain significance by one submitter (ClinVar ID: 577495). The NF1 c.6196A>G (p.Thr2066Ala) variant is only observed on 2/833,092 alleles in the general population (gnomAD v.4.0.0), indicating that it is not a common variant. Computational predictors are uncertain as to the impact of this variant on NF1 function. The NF1 gene has a low rate of benign missense variation, and pathogenic missense variants are one of the mechanisms of disease. Due to limited information, and based on ACMG/AMP guidelines for variant interpretation (Richards S et al., PMID: 25741868), the clinical significance of this variant is uncertain at this time.

Ambry Genetics
Classification: Uncertain significance for Cardiovascular phenotype; Hereditary cancer-predisposing syndrome. Last evaluated: 2024-01-11. Review status: criteria provided, single submitter. Criteria: Ambry Variant Classification Scheme 2023. Collection method: clinical testing. Allele origin: germline.
Comment: The p.T2045A variant (also known as c.6133A>G), located in coding exon 41 of the NF1 gene, results from an A to G substitution at nucleotide position 6133. The threonine at codon 2045 is replaced by alanine, an amino acid with similar properties. This amino acid position is conserved. In addition, the in silico prediction for this alteration is inconclusive. Since supporting evidence is limited at this time, the clinical significance of this alteration remains unclear.

NM_001042492.3(NF1):c.6196A>G (p.Thr2066Ala)

Gene: NF1 (neurofibromin 1; plus strand). Cytogenetic location: 17q11.2.
Variant type: single nucleotide variant.
Coding change: c.6196A>G on transcript NM_001042492.3 (MANE Select); coding-DNA position 6196, A replaced by G.
Protein change: p.Thr2066Ala; replaces threonine 2066 with alanine.
Molecular consequence: missense variant.
Genome position (GRCh38, 1-based): chr17:31,336,683, A>G. VCF-style: chr17-31336683-A-G. GRCh37 (hg19) VCF-style: chr17-29663701-A-G.
Other names: c.6133A>G, p.Thr2045Ala (NM_000267.4); short protein forms T2045A, T2066A.
Identifiers: ClinVar variation 577495 (VCV000577495.9), dbSNP rs1567616928, ClinGen allele CA399011847.
Genomic context (GRCh38, chr17:31,336,683, plus strand): 5'-GCTTCTTTACAGGTTATTGGAAGGATGTGCAAAATAATTGACAAGACATGCTTATCTCCA[A>G]CTCCTACTTTAGAACAACATCTTATGTGGGATGATATTGCTATTTTAGCACGCTACATGC-3'
Protein context (NP_001035957.1, residues 2056-2076): KIIDKTCLSP[Thr2066Ala]PTLEQHLMWD